The following is an entry in ClinVar:

ClinVar aggregate classification (germline): Uncertain significance. Review status: criteria provided, multiple submitters, no conflicts (2 of 4 stars). 4 submissions from 4 submitters: Uncertain significance (4). Last evaluated 2025-03-06.

Conditions:
Cardiovascular phenotype. Identifiers: MedGen CN230736.
Cardiomyopathy (CMYO). Also called: Cardiomyopathies. Identifiers: Orphanet 167848, MedGen C0878544, MONDO:0004994, HP:0001638. Inheritance: Various modes of inheritance.
Dilated cardiomyopathy 1II (CMD1II). Identifiers: Orphanet 154, MedGen C3554649, MONDO:0014073, OMIM 615184.

Allele frequency attached by ClinVar (database versions not stated): gnomAD exomes below 0.00001; gnomAD 0.00001; TOPMed 0.00002; ESP Exome Variant Server 0.00008.

Submissions (4):

Labcorp Genetics (formerly Invitae), Labcorp
Classification: Uncertain significance for Dilated cardiomyopathy 1II. Last evaluated: 2025-03-06. Review status: criteria provided, single submitter. Criteria: Invitae Variant Classification Sherloc (09022015). Collection method: clinical testing. Allele origin: germline.
Comment: This sequence change replaces alanine, which is neutral and non-polar, with threonine, which is neutral and polar, at codon 171 of the CRYAB protein (p.Ala171Thr). This variant is present in population databases (rs370803064, gnomAD 0.007%). This missense change has been observed in individuals with clinical features of autosomal dominant myofibrillar myopathy and/or congenital cataracts (PMID: 18587492; internal data). ClinVar contains an entry for this variant (Variation ID: 381526). An algorithm developed to predict the effect of missense changes on protein structure and function (PolyPhen-2) suggests that this variant is likely to be tolerated. Experimental studies have shown that this missense change affects CRYAB function (PMID: 23194663, 32110827). In summary, the available evidence is currently insufficient to determine the role of this variant in disease. Therefore, it has been classified as a Variant of Uncertain Significance.

Ambry Genetics
Classification: Uncertain significance for Cardiovascular phenotype. Last evaluated: 2023-02-01. Review status: criteria provided, single submitter. Criteria: Ambry Variant Classification Scheme 2023. Collection method: clinical testing. Allele origin: germline.
Comment: The p.A171T variant (also known as c.511G>A), located in coding exon 3 of the CRYAB gene, results from a G to A substitution at nucleotide position 511. The alanine at codon 171 is replaced by threonine, an amino acid with similar properties. This variant has been detected in a proband with congenital cataracts and in the reportedly unaffected father (Devi RR et al. Mol Vis, 2008 Jun;14:1157-70). This variant was also detected in an individual from an exome sequencing cohort not selected for the presence of cardiovascular disease or cataracts; however, details were limited (Kars ME et al. Proc Natl Acad Sci U S A, 2021 Sep;118). Functional studies suggest this variant may lead to aggregate formation and apoptosis in transfected cells; however, the clinical relevance of these findings are unclear (Raju I et al. Biochem Biophys Res Commun, 2013 Jan;430:107-12). This amino acid position is well conserved in available vertebrate species. In addition, this alteration is predicted to be deleterious by in silico analysis. Since supporting evidence is limited at this time, the clinical significance of this alteration remains unclear.

GeneDx
Classification: Uncertain significance. Last evaluated: 2017-01-03. Review status: criteria provided, single submitter. Criteria: GeneDx Variant Classification (06012015). Collection method: clinical testing. Allele origin: germline. Affected: yes.
Comment: A variant of uncertain significance has been identified in the CRYAB gene. This variant was not observed with any significant frequency in approximately 6,500 individuals of European and African American ancestry in the NHLBI Exome Sequencing Project. The A171T variant is a non-conservative amino acid substitution, which is likely to impact secondary protein structure as these residues differ in polarity, charge, size and/or other properties. Functional studies using cells transfected with the A171T variant showed an increase in apoptosis compared to wild type cells (Raju et al., 2013); however, it is not known whether these findings are biological or clinically relevant in vivo. The A171T substitution occurs at a position that is only conserved in mammals and in silico analysis is inconsistent in its predictions as to whether or not the variant is damaging to the protein structure/function. Therefore, based on the currently available information, it is unclear whether this variant is pathogenic or rare benign. This result cannot be interpreted for diagnosis or used for family member screening at this time.

CHEO Genetics Diagnostic Laboratory, Children's Hospital of Eastern Ontario
Classification: Uncertain significance for Cardiomyopathy. Last evaluated: 2016-09-09. Review status: criteria provided, single submitter. Criteria: ACMG Guidelines, 2015. Collection method: clinical testing. Allele origin: germline. Study: Canadian Open Genetics Repository.

Literature cited by the submitters: PubMed 18587492 (cited by Labcorp Genetics (formerly Invitae), Labcorp and Ambry Genetics); PubMed 23194663 (cited by Labcorp Genetics (formerly Invitae), Labcorp and Ambry Genetics); PubMed 32110827 (cited by Labcorp Genetics (formerly Invitae), Labcorp); PubMed 28640093 (cited by Ambry Genetics); PubMed 34426522 (cited by Ambry Genetics); PubMed 35531184 (cited by Ambry Genetics).

NM_001289808.2(CRYAB):c.511G>A (p.Ala171Thr)

Gene: CRYAB (crystallin alpha B; minus strand). Cytogenetic location: 11q23.1.
Variant type: single nucleotide variant.
Coding change: c.511G>A on transcript NM_001289808.2 (MANE Select); coding-DNA position 511, G replaced by A.
Protein change: p.Ala171Thr; replaces alanine 171 with threonine.
Molecular consequence: missense variant.
Genome position (GRCh38, 1-based): chr11:111,908,781, C>T on the plus strand (G>A on the coding strand, the complement: CRYAB is on the minus strand). VCF-style: chr11-111908781-C-T. GRCh37 (hg19) VCF-style: chr11-111779505-C-T.
Other names: c.310G>A, p.Ala104Thr (NM_001368246.1, NM_001330379.1); c.511G>A, p.Ala171Thr (NM_001885.3, NM_001289807.1, NM_001368245.1); short protein forms A171T, A104T.
Identifiers: ClinVar variation 381526 (VCV000381526.16), dbSNP rs370803064, ClinGen allele CA16605857.